The following is an entry in ClinVar:

NM_018127.7(ELAC2):c.2445_2447del (p.Glu817del)

Gene: ELAC2 (elaC ribonuclease Z 2; minus strand). Cytogenetic location: 17p12.
Variant type: Deletion.
Coding change: c.2445_2447del on transcript NM_018127.7 (MANE Select); coding-DNA positions 2445 to 2447, 3 bases deleted (AGA; older notation c.2445_2447delAGA).
Protein change: p.Glu817del; deletes glutamic acid 817.
Molecular consequence: inframe deletion.
Genome position (GRCh38, 1-based): chr17:12,992,852-12,992,854, TCT deleted on the plus strand (AGA on the coding strand, the reverse complement: ELAC2 is on the minus strand). VCF-style (leftmost placement, unchanged base first): chr17-12992851-CTCT-C. GRCh37 (hg19) VCF-style: chr17-12896168-CTCT-C.
Other names: c.2325_2327del, p.Glu777del (NM_001165962.2); c.2442_2444del, p.Glu816del (NM_173717.2); short protein forms E777del, E817del, E816del.
Identifiers: ClinVar variation 656848 (VCV000656848.4), dbSNP rs1377575423, ClinGen allele CA726211189.
Genomic context (GRCh38, chr17:12,992,851, plus strand): 5'-CTTCTGAGTTCAGGGTCTCCCAGATCTTCACTGGGCTCTGACCTTCTTGGCCTGTGGCTC[CTCT>C]GTGTGGGCCCGCTTCTGCTGAGGCTCCCCATCCTCCAGGCCGCCTGCCAGCTCCCTGGAC-3'

ClinVar aggregate classification (germline): Uncertain significance (1 of 4 stars; one submission).

Conditions:
Combined oxidative phosphorylation defect type 17. Also called: Combined oxidative phosphorylation deficiency 17. Identifiers: Orphanet 369913, MedGen C3809526, MONDO:0014190, OMIM 615440.

Allele frequency attached by ClinVar (database versions not stated): gnomAD 0.00001; gnomAD exomes 0.00001; TOPMed 0.00001.

Submission:

Labcorp Genetics (formerly Invitae), Labcorp
Classification: Uncertain significance for Combined oxidative phosphorylation defect type 17. Last evaluated: 2024-12-02. Review status: criteria provided, single submitter. Criteria: Invitae Variant Classification Sherloc (09022015). Collection method: clinical testing. Allele origin: germline.
Comment: This variant, c.2445_2447del, results in the deletion of 1 amino acid(s) of the ELAC2 protein (p.Glu817del), but otherwise preserves the integrity of the reading frame. This variant is not present in population databases (gnomAD no frequency). This variant has not been reported in the literature in individuals affected with ELAC2-related conditions. ClinVar contains an entry for this variant (Variation ID: 656848). Experimental studies and prediction algorithms are not available or were not evaluated, and the functional significance of this variant is currently unknown. In summary, the available evidence is currently insufficient to determine the role of this variant in disease. Therefore, it has been classified as a Variant of Uncertain Significance.